The following is an entry in ClinVar:

NM_014915.3(ANKRD26):c.222C>G (p.Asn74Lys)

Gene: ANKRD26 (ankyrin repeat domain 26; minus strand). Cytogenetic location: 10p12.1.
Variant type: single nucleotide variant.
Coding change: c.222C>G on transcript NM_014915.3 (MANE Select); coding-DNA position 222, C replaced by G.
Protein change: p.Asn74Lys; replaces asparagine 74 with lysine.
Molecular consequence: missense variant.
Genome position (GRCh38, 1-based): chr10:27,100,105, G>C on the plus strand (C>G on the coding strand, the complement: ANKRD26 is on the minus strand). VCF-style: chr10-27100105-G-C. GRCh37 (hg19) VCF-style: chr10-27389034-G-C.
Other names: c.222C>G, p.Asn74Lys (NM_001256053.2); short protein forms N74K.
Identifiers: ClinVar variation 5023306 (VCV005023306.1).

ClinVar aggregate classification (germline): Uncertain significance (1 of 4 stars; one submission).

Conditions:
Inborn genetic diseases. Identifiers: MedGen C0950123, MeSH D030342.

Submission:

Ambry Genetics
Classification: Uncertain significance for Inborn genetic diseases. Last evaluated: 2026-07-25. Review status: criteria provided, single submitter. Criteria: Ambry Variant Classification Scheme 2023. Collection method: clinical testing. Allele origin: germline.
Comment: The p.N74K variant (also known as c.222C>G), located in coding exon 1 of the ANKRD26 gene, results from a C to G substitution at nucleotide position 222. The asparagine at codon 74 is replaced by lysine, an amino acid with similar properties. This amino acid position is conserved. In addition, this alteration is predicted to be tolerated by in silico analysis. Based on the available evidence, the clinical significance of this variant remains unclear.